The following is an entry in ClinVar:

ClinVar aggregate classification (germline): Benign/Likely benign. Review status: criteria provided, multiple submitters, no conflicts (2 of 4 stars). 8 submissions from 8 submitters: Benign (1); Likely benign (6). 1 of the submissions does not count toward it. Last evaluated 2025-01-24.

Conditions:
Hereditary nonpolyposis colorectal neoplasms. Identifiers: MedGen C0009405, MeSH D003123.
Hereditary cancer-predisposing syndrome. Also called: Tumor predisposition; Hereditary Cancer Syndrome; Hereditary neoplastic syndrome; Neoplastic Syndromes, Hereditary. Identifiers: Orphanet 140162, MedGen C0027672, MeSH D009386, MONDO:0015356.
Lynch syndrome. Identifiers: Orphanet 144, MedGen C4552100, MONDO:0005835. Disease mechanism: loss of function.
Lynch syndrome 4 (LYNCH4). Also called: Colorectal cancer, hereditary nonpolyposis, type 4; Hereditary non-polyposis colorectal cancer, type 4. Identifiers: Orphanet 144, MedGen C1838333, MONDO:0013699, OMIM 614337. Disease mechanism: loss of function.
Malignant tumor of breast. Also called: Malignant breast neoplasm; Cancer breast. Identifiers: MedGen C0006142, MONDO:0007254. Disease mechanism: loss of function.

gnomAD v4.1: 7 of 1,611,970 alleles (0.00043%); highest among the groups gnomAD compares: Non-Finnish European, 0.00042%; no homozygotes.

Submissions (8):

Myriad Genetics, Inc.
Classification: Benign for Lynch syndrome 4. Last evaluated: 2025-01-24. Review status: criteria provided, single submitter. Criteria: Myriad Autosomal Dominant, Autosomal Recessive and X-Linked Classification Criteria (2023). Collection method: clinical testing. Allele origin: unknown.
Comment: This variant is considered benign. This variant is a silent/synonymous amino acid change and it is not expected to impact splicing.

Labcorp Genetics (formerly Invitae), Labcorp
Classification: Likely benign for Hereditary nonpolyposis colorectal neoplasms. Last evaluated: 2025-01-12. Review status: criteria provided, single submitter. Criteria: Invitae Variant Classification Sherloc (09022015). Collection method: clinical testing. Allele origin: germline.

All of Us Research Program, National Institutes of Health
Classification: Likely benign for Lynch syndrome. Last evaluated: 2023-06-27. Review status: criteria provided, single submitter. Criteria: ACMG Guidelines, 2015. Collection method: clinical testing. Allele origin: germline. Inheritance: Autosomal dominant inheritance. Observed: 2 variant alleles, 2 heterozygotes.
Comment: This study involves interpretation of variants in research participants for the purpose of population health screening. Participant phenotype was not available at the time of variant classification. Additional details can be found in publication PMID: 35346344, PMCID: PMC8962531

Sema4
Classification: Likely benign for Hereditary cancer-predisposing syndrome. Last evaluated: 2022-02-18. Review status: criteria provided, single submitter. Criteria: Sema4 Curation Guidelines. Collection method: curation. Allele origin: germline.

GeneDx
Classification: Likely benign. Last evaluated: 2021-05-17. Review status: criteria provided, single submitter. Criteria: GeneDx Variant Classification Process June 2021. Collection method: clinical testing. Allele origin: germline. Affected: yes.

Color Diagnostics, LLC DBA Color Health
Classification: Likely benign for Hereditary cancer-predisposing syndrome. Last evaluated: 2020-03-17. Review status: criteria provided, single submitter. Criteria: ACMG Guidelines, 2015. Collection method: clinical testing. Allele origin: germline.

Ambry Genetics
Classification: Likely benign for Hereditary cancer-predisposing syndrome. Last evaluated: 2016-03-24. Review status: criteria provided, single submitter. Criteria: Ambry Variant Classification Scheme 2023. Collection method: clinical testing. Allele origin: germline.

Department of Pathology and Laboratory Medicine, Sinai Health System
Classification: Likely benign for Malignant tumor of breast. Review status: no assertion criteria provided. Collection method: clinical testing. Allele origin: unknown. Affected: yes. Observed: 1 variant allele. Study: The Canadian Open Genetics Repository (COGR). Not counted in ClinVar's aggregate classification.
Comment: The PMS2 p.Gly132= variant was not identified in the literature nor was it identified in the GeneInsight-COGR, Clinvitae, MutDB, Zhejiang Colon Cancer Database, Mismatch Repair Genes Variant Database, Insight Hereditary Tumors Database, the 1000 Genomes Project, the NHLBI GO Exome Sequencing Project, the Exome Aggregation Consortium (August 8th 2016), or the Genome Aggregation Database (Feb 27, 2017). The variant was identified in dbSNP (ID: rs786201073) â€šÃ„ÃºWith Likely benign alleleâ€šÃ„Ã¹, ClinVar (classified likely benign by Ambry Genetics and Invitae), and Cosmic (4x in liver neoplasm). The p.Gly132= variant is not expected to have clinical significance because it does not result in a change of amino acid and is not located in a known consensus splice site. In addition, in silico or computational prediction software programs (SpliceSiteFinder, MaxEntScan, NNSPLICE, GeneSplicer, HumanSpliceFinder) do not predict a difference in splicing. In summary, based on the above information the clinical significance of this variant cannot be determined with certainty at this time although we would lean towards a more benign role for this variant. This variant is classified as likely benign.

NM_000535.7(PMS2):c.396A>G (p.Gly132=)

Gene: PMS2 (PMS1 homolog 2, mismatch repair system component; minus strand). Cytogenetic location: 7p22.1.
Variant type: single nucleotide variant.
Coding change: c.396A>G on transcript NM_000535.7 (MANE Select); coding-DNA position 396, A replaced by G.
Protein change: p.Gly132=; no amino-acid change (glycine 132 retained).
Molecular consequence: synonymous variant. On other transcripts: 5 prime UTR variant (8), non-coding transcript variant (1).
Genome position (GRCh38, 1-based): chr7:6,002,594, T>C on the plus strand (A>G on the coding strand, the complement: PMS2 is on the minus strand). VCF-style: chr7-6002594-T-C. GRCh37 (hg19) VCF-style: chr7-6042225-T-C.
Other names: c.-10A>G (NM_001322003.2, NM_001322004.2, NM_001322005.2 and 3 more transcripts); c.396A>G, p.Gly132= (NM_001322006.2, NM_001322014.2); c.78A>G, p.Gly26= (NM_001322007.2, NM_001322008.2); c.-489A>G (NM_001322011.2, NM_001322012.2); c.87A>G, p.Gly29= (NM_001322015.2).
Identifiers: ClinVar variation 183774 (VCV000183774.19), dbSNP rs786201073, ClinGen allele CA012064.
Genomic context (GRCh38, chr7:6,002,594, plus strand): 5'-GGGGCGGGGGTAGGGGGTTTTCTGGATAATTTTCCCATTGTGATCAAACATCAGTCGAGT[T>C]CCAACCTTCGCCGATGCGTGGCAGGTAGAAATGGTGACATCGCTGTGAGAGAATACCAGG-3'
Protein context (NP_000526.2, residues 122-142): ISTCHASAKV[Gly132=]TRLMFDHNGK